The following is an entry in ClinVar:

ClinVar aggregate classification (germline): Uncertain significance (1 of 4 stars; one submission).

Conditions:
Juvenile polyposis syndrome (JPS). Identifiers: Orphanet 2929, MedGen C0345893, MONDO:0017380, OMIM 174900.

Submission:

Labcorp Genetics (formerly Invitae), Labcorp
Classification: Uncertain significance for Juvenile polyposis syndrome. Last evaluated: 2019-06-30. Review status: criteria provided, single submitter. Criteria: Invitae Variant Classification Sherloc (09022015). Collection method: clinical testing. Allele origin: germline.
Comment: This sequence change replaces alanine with valine at codon 522 of the BMPR1A protein (p.Ala522Val). The alanine residue is highly conserved and there is a small physicochemical difference between alanine and valine. In summary, the available evidence is currently insufficient to determine the role of this variant in disease. Therefore, it has been classified as a Variant of Uncertain Significance. Algorithms developed to predict the effect of missense changes on protein structure and function are either unavailable or do not agree on the potential impact of this missense change (SIFT: "Tolerated"; PolyPhen-2: "Possibly Damaging"; Align-GVGD: "Class C0"). This variant has not been reported in the literature in individuals with BMPR1A-related conditions. This variant is not present in population databases (ExAC no frequency).

NM_004329.3(BMPR1A):c.1565C>T (p.Ala522Val)

Gene: BMPR1A (bone morphogenetic protein receptor type 1A; plus strand). Cytogenetic location: 10q23.2.
Variant type: single nucleotide variant.
Coding change: c.1565C>T on transcript NM_004329.3 (MANE Select); coding-DNA position 1565, C replaced by T.
Protein change: p.Ala522Val; replaces alanine 522 with valine.
Molecular consequence: missense variant.
Genome position (GRCh38, 1-based): chr10:86,923,685, C>T. VCF-style: chr10-86923685-C-T. GRCh37 (hg19) VCF-style: chr10-88683442-C-T.
Other names: short protein forms A522V.
Identifiers: ClinVar variation 941148 (VCV000941148.10), dbSNP rs1843703262, ClinGen allele CA377463979.